The following is an entry in ClinVar:

NM_001040142.2(SCN2A):c.890A>G (p.Asn297Ser)

Gene: SCN2A (sodium voltage-gated channel alpha subunit 2; plus strand). Cytogenetic location: 2q24.3.
Variant type: single nucleotide variant.
Coding change: c.890A>G on transcript NM_001040142.2 (MANE Select); coding-DNA position 890, A replaced by G.
Protein change: p.Asn297Ser; replaces asparagine 297 with serine.
Molecular consequence: missense variant.
Genome position (GRCh38, 1-based): chr2:165,310,515, A>G. VCF-style: chr2-165310515-A-G. GRCh37 (hg19) VCF-style: chr2-166167025-A-G.
Other names: p.N297S:AAC>AGC; c.890A>G, p.Asn297Ser (NM_001040143.2, NM_001371246.1, NM_001371247.1 and 1 more transcripts); short protein forms N297S.
Identifiers: ClinVar variation 207044 (VCV000207044.6), dbSNP rs796053174, ClinGen allele CA318089.

ClinVar aggregate classification (germline): Uncertain significance. Review status: criteria provided, multiple submitters, no conflicts (2 of 4 stars). 2 submissions from 2 submitters: Uncertain significance (2). Last evaluated 2021-09-01.

Conditions:
Seizures, benign familial infantile, 3 (BFIS3). Also called: CONVULSIONS, BENIGN FAMILIAL INFANTILE, 3; Familial neonatal seizures. Identifiers: Orphanet 140927, Orphanet 306, MedGen C1843140, MONDO:0011904, OMIM 607745.
Developmental and epileptic encephalopathy, 11 (DEE11). Also called: Early infantile epileptic encephalopathy 11. Identifiers: Orphanet 1934, MedGen C3150987, MONDO:0013388, OMIM 613721.

Allele frequency attached by ClinVar (database versions not stated): gnomAD exomes below 0.00001; TOPMed below 0.00001.
gnomAD v4.1: 1 of 1,613,290 alleles (0.000062%); highest among the groups gnomAD compares: Non-Finnish European, 0.000085%; no homozygotes.

Submissions (2):

Labcorp Genetics (formerly Invitae), Labcorp
Classification: Uncertain significance for Seizures, benign familial infantile, 3; Developmental and epileptic encephalopathy, 11. Last evaluated: 2021-09-01. Review status: criteria provided, single submitter. Criteria: Invitae Variant Classification Sherloc (09022015). Collection method: clinical testing. Allele origin: germline.

GeneDx
Classification: Uncertain significance. Last evaluated: 2021-07-01. Review status: criteria provided, single submitter. Criteria: GeneDx Variant Classification Process June 2021. Collection method: clinical testing. Allele origin: germline. Affected: yes.
Comment: Not observed at significant frequency in large population cohorts (Lek et al., 2016); Missense variants in this gene are often considered pathogenic (Stenson et al., 2014); In silico analysis supports that this missense variant has a deleterious effect on protein structure/function; This substitution is predicted to be within the extracellular loop between the S5 and S6 transmembrane segments of the first homologous domain.; Has not been previously published as pathogenic or benign to our knowledge; This variant is associated with the following publications: (PMID: 27535533, 24077912)